The following is an entry in ClinVar:

NM_001035.3(RYR2):c.5320G>A (p.Glu1774Lys)

Gene: RYR2 (ryanodine receptor 2; plus strand). Cytogenetic location: 1q43.
Variant type: single nucleotide variant.
Coding change: c.5320G>A on transcript NM_001035.3 (MANE Select); coding-DNA position 5320, G replaced by A.
Protein change: p.Glu1774Lys; replaces glutamic acid 1774 with lysine.
Molecular consequence: missense variant.
Genome position (GRCh38, 1-based): chr1:237,614,448, G>A. VCF-style: chr1-237614448-G-A. GRCh37 (hg19) VCF-style: chr1-237777748-G-A.
Other names: short protein forms E1774K.
Identifiers: ClinVar variation 2958245 (VCV002958245.3), dbSNP rs2546794158, ClinGen allele CA345404770.
Genomic context (GRCh38, chr1:237,614,448, plus strand): 5'-AGCACCTCCCTCAGGCCACGGATGCAGTTTTCCTCCCCCAGTTTTGTAAGCATTAGTAAT[G>A]AATGTTACCAGTACAGTCCAGAGTTCCCACTGGACATCCTCAAGTCCAAAACCATACAGA-3'
Protein context (NP_001026.2, residues 1764-1784): SSPSFVSISN[Glu1774Lys]CYQYSPEFPL

ClinVar aggregate classification (germline): Uncertain significance (1 of 4 stars; one submission).

Conditions:
Catecholaminergic polymorphic ventricular tachycardia 1. Also called: VENTRICULAR TACHYCARDIA, CATECHOLAMINERGIC POLYMORPHIC, 1, WITH OR WITHOUT ATRIAL DYSFUNCTION AND/OR DILATED CARDIOMYOPATHY; RYR2-Related Catecholaminergic Polymorphic Ventricular Tachycardia; VENTRICULAR TACHYCARDIA, STRESS-INDUCED POLYMORPHIC 1. Identifiers: Orphanet 3286, MedGen C1631597, MONDO:0011484, OMIM 604772.

Submission:

Labcorp Genetics (formerly Invitae), Labcorp
Classification: Uncertain significance for Catecholaminergic polymorphic ventricular tachycardia 1. Last evaluated: 2023-09-13. Review status: criteria provided, single submitter. Criteria: Invitae Variant Classification Sherloc (09022015). Collection method: clinical testing. Allele origin: germline.
Comment: Advanced modeling of protein sequence and biophysical properties (such as structural, functional, and spatial information, amino acid conservation, physicochemical variation, residue mobility, and thermodynamic stability) performed at Invitae indicates that this missense variant is not expected to disrupt RYR2 protein function. This variant has not been reported in the literature in individuals affected with RYR2-related conditions. This variant is not present in population databases (gnomAD no frequency). This sequence change replaces glutamic acid, which is acidic and polar, with lysine, which is basic and polar, at codon 1774 of the RYR2 protein (p.Glu1774Lys). In summary, the available evidence is currently insufficient to determine the role of this variant in disease. Therefore, it has been classified as a Variant of Uncertain Significance.